The following is an entry in ClinVar:

NM_001190.4(BCAT2):c.151C>A (p.Pro51Thr)

Gene: BCAT2 (branched chain amino acid transaminase 2; minus strand). Cytogenetic location: 19q13.33.
Variant type: single nucleotide variant.
Coding change: c.151C>A on transcript NM_001190.4 (MANE Select); coding-DNA position 151, C replaced by A.
Protein change: p.Pro51Thr; replaces proline 51 with threonine.
Molecular consequence: missense variant. On other transcripts: intron variant (1).
Genome position (GRCh38, 1-based): chr19:48,806,666, G>T on the plus strand (C>A on the coding strand, the complement: BCAT2 is on the minus strand). VCF-style: chr19-48806666-G-T. GRCh37 (hg19) VCF-style: chr19-49309923-G-T.
Other names: c.31C>A, p.Pro11Thr (NM_001284325.2); c.24+4318C>A (NM_001164773.2); short protein forms P51T, P11T.
Identifiers: ClinVar variation 2606697 (VCV002606697.4), dbSNP rs760944625, ClinGen allele CA9558512.

ClinVar aggregate classification (germline): Uncertain significance. Review status: criteria provided, multiple submitters, no conflicts (2 of 4 stars). 2 submissions from 2 submitters: Uncertain significance (2). Last evaluated 2025-11-17.

Allele frequency attached by ClinVar (database versions not stated): TOPMed below 0.00001; gnomAD exomes 0.00003; ExAC 0.00009.
gnomAD v4.1: 54 of 1,613,902 alleles (0.0033%); highest among the groups gnomAD compares: South Asian, 0.045%; no homozygotes.

Submissions (2):

Labcorp Genetics (formerly Invitae), Labcorp
Classification: Uncertain significance. Last evaluated: 2025-11-17. Review status: criteria provided, single submitter. Criteria: Invitae Variant Classification Sherloc (09022015). Collection method: clinical testing. Allele origin: germline.
Comment: This sequence change replaces proline, which is neutral and non-polar, with threonine, which is neutral and polar, at codon 51 of the BCAT2 protein (p.Pro51Thr). This variant is present in population databases (rs760944625, gnomAD 0.06%). This variant has not been reported in the literature in individuals affected with BCAT2-related conditions. ClinVar contains an entry for this variant (Variation ID: 2606697). An algorithm developed to predict the effect of missense changes on protein structure and function (PolyPhen-2) suggests that this variant is likely to be tolerated. In summary, the available evidence is currently insufficient to determine the role of this variant in disease. Therefore, it has been classified as a Variant of Uncertain Significance.

Ambry Genetics
Classification: Uncertain significance. Last evaluated: 2025-11-13. Review status: criteria provided, single submitter. Criteria: Ambry Variant Classification Scheme 2023. Collection method: clinical testing. Allele origin: germline.